The following is an entry in ClinVar:

ClinVar aggregate classification (germline): Uncertain significance (1 of 4 stars; one submission).

Allele frequency attached by ClinVar (database versions not stated): gnomAD exomes 0.00001; ExAC 0.00002; gnomAD 0.00003; 1000 Genomes Project 30x 0.00016; 1000 Genomes Project 0.00020.
gnomAD v4.1: 20 of 1,614,178 alleles (0.0012%); highest among the groups gnomAD compares: South Asian, 0.021%; no homozygotes.

Submission:

Labcorp Genetics (formerly Invitae), Labcorp
Classification: Uncertain significance. Last evaluated: 2022-05-11. Review status: criteria provided, single submitter. Criteria: Invitae Variant Classification Sherloc (09022015). Collection method: clinical testing. Allele origin: germline.
Comment: In summary, the available evidence is currently insufficient to determine the role of this variant in disease. Therefore, it has been classified as a Variant of Uncertain Significance. Algorithms developed to predict the effect of missense changes on protein structure and function output the following: SIFT: "Deleterious"; PolyPhen-2: "Benign"; Align-GVGD: "Class C0". The valine amino acid residue is found in multiple mammalian species, which suggests that this missense change does not adversely affect protein function. This variant has not been reported in the literature in individuals affected with CENPJ-related conditions. This variant is present in population databases (rs543417576, gnomAD 0.02%). This sequence change replaces glutamic acid, which is acidic and polar, with valine, which is neutral and non-polar, at codon 77 of the CENPJ protein (p.Glu77Val).

NM_018451.5(CPAP):c.230A>T (p.Glu77Val)

Gene: CPAP (centrosome assembly and centriole elongation protein; minus strand). Cytogenetic location: 13q12.13.
Variant type: single nucleotide variant.
Coding change: c.230A>T on transcript NM_018451.5 (MANE Select); coding-DNA position 230, A replaced by T.
Protein change: p.Glu77Val; replaces glutamic acid 77 with valine.
Molecular consequence: missense variant. On other transcripts: non-coding transcript variant (2).
Genome position (GRCh38, 1-based): chr13:24,912,796, T>A on the plus strand (A>T on the coding strand, the complement: CPAP is on the minus strand). VCF-style: chr13-24912796-T-A. GRCh37 (hg19) VCF-style: chr13-25486934-T-A.
Other names: short protein forms E77V.
Identifiers: ClinVar variation 1979601 (VCV001979601.4), dbSNP rs543417576, ClinGen allele CA6920054.